The following is an entry in ClinVar:

NM_004977.3(KCNC3):c.1760C>G (p.Pro587Arg)

Gene: KCNC3 (potassium voltage-gated channel subfamily C member 3; minus strand). Cytogenetic location: 19q13.33.
Variant type: single nucleotide variant.
Coding change: c.1760C>G on transcript NM_004977.3 (MANE Select); coding-DNA position 1760, C replaced by G.
Protein change: p.Pro587Arg; replaces proline 587 with arginine.
Molecular consequence: missense variant.
Genome position (GRCh38, 1-based): chr19:50,323,193, G>C on the plus strand (C>G on the coding strand, the complement: KCNC3 is on the minus strand). VCF-style: chr19-50323193-G-C. GRCh37 (hg19) VCF-style: chr19-50826450-G-C.
Other names: c.1532C>G, p.Pro511Arg (NM_001372305.1); c.1760C>G (NM_004977.2); short protein forms P511R, P587R.
Identifiers: ClinVar variation 2886694 (VCV002886694.5), dbSNP rs554197864, ClinGen allele CA9594173.

ClinVar aggregate classification (germline): Conflicting classifications of pathogenicity. Review status: criteria provided, conflicting classifications (1 of 4 stars). 3 submissions from 3 submitters: Uncertain significance (2); Likely benign (1). Last evaluated 2025-06-03.

Conditions:
Inborn genetic diseases. Identifiers: MedGen C0950123, MeSH D030342.

gnomAD v4.1: 53 of 1,523,106 alleles (0.0035%); highest among the groups gnomAD compares: Middle Eastern, 0.069%; no homozygotes.

Submissions (3):

Ambry Genetics
Classification: Uncertain significance for Inborn genetic diseases. Last evaluated: 2025-06-03. Review status: criteria provided, single submitter. Criteria: Ambry Variant Classification Scheme 2023. Collection method: clinical testing. Allele origin: germline.

Labcorp Genetics (formerly Invitae), Labcorp
Classification: Uncertain significance. Last evaluated: 2022-11-15. Review status: criteria provided, single submitter. Criteria: Invitae Variant Classification Sherloc (09022015). Collection method: clinical testing. Allele origin: germline.
Comment: This variant has not been reported in the literature in individuals affected with KCNC3-related conditions. Advanced modeling of protein sequence and biophysical properties (such as structural, functional, and spatial information, amino acid conservation, physicochemical variation, residue mobility, and thermodynamic stability) performed at Invitae indicates that this missense variant is not expected to disrupt KCNC3 protein function. This variant is present in population databases (rs554197864, gnomAD 0.01%). This sequence change replaces proline, which is neutral and non-polar, with arginine, which is basic and polar, at codon 587 of the KCNC3 protein (p.Pro587Arg). In summary, the available evidence is currently insufficient to determine the role of this variant in disease. Therefore, it has been classified as a Variant of Uncertain Significance.

Blueprint Genetics
Classification: Likely benign. Last evaluated: 2021-12-17. Review status: criteria provided, single submitter. Criteria: ACMG Guidelines, 2015. Collection method: clinical testing. Allele origin: germline.